The following is an entry in ClinVar:

NM_006329.4(FBLN5):c.125-151A>G

Gene: FBLN5 (fibulin 5; minus strand). Cytogenetic location: 14q32.12.
Variant type: single nucleotide variant.
Coding change: c.125-151A>G on transcript NM_006329.4 (MANE Select); 151 bases into the intron before coding-DNA position 125, A replaced by G.
Molecular consequence: intron variant.
Genome position (GRCh38, 1-based): chr14:91,937,352, T>C on the plus strand (A>G on the coding strand, the complement: FBLN5 is on the minus strand). VCF-style: chr14-91937352-T-C. GRCh37 (hg19) VCF-style: chr14-92403696-T-C.
Other names: c.125-151A>G (NM_001384160.1); c.248-151A>G (NM_001384158.1); c.-44-151A>G (NM_001384162.1, NM_001384161.1); c.176-151A>G (NM_001384159.1).
Identifiers: ClinVar variation 679834 (VCV000679834.1), dbSNP rs58984750, ClinGen allele CA265608000.

ClinVar aggregate classification (germline): Likely benign (1 of 4 stars; one submission).

Allele frequency attached by ClinVar (database versions not stated): TOPMed 0.00928; gnomAD 0.00958 and 0.01186; gnomAD exomes 0.01365; 1000 Genomes Project 30x 0.03045; 1000 Genomes Project 0.03235.
gnomAD v4.1: 12,418 of 934,768 alleles (1.3%); highest among the groups gnomAD compares: East Asian, 9.1%; 310 homozygotes.

Submission:

GeneDx
Classification: Likely benign. Last evaluated: 2018-06-14. Review status: criteria provided, single submitter. Criteria: GeneDx Variant Classification (06012015). Collection method: clinical testing. Allele origin: germline. Affected: yes.
Comment: This variant is considered likely benign or benign based on one or more of the following criteria: it is a conservative change, it occurs at a poorly conserved position in the protein, it is predicted to be benign by multiple in silico algorithms, and/or has population frequency not consistent with disease.